The following is an entry in ClinVar:

ClinVar aggregate classification (germline): Uncertain significance (1 of 4 stars; one submission).

Conditions:
Hereditary cancer-predisposing syndrome. Also called: Tumor predisposition; Hereditary neoplastic syndrome; Hereditary Cancer Syndrome; Neoplastic Syndromes, Hereditary. Identifiers: Orphanet 140162, MedGen C0027672, MeSH D009386, MONDO:0015356.

Submission:

Ambry Genetics
Classification: Uncertain significance for Hereditary cancer-predisposing syndrome. Last evaluated: 2024-02-22. Review status: criteria provided, single submitter. Criteria: Ambry Variant Classification Scheme 2023. Collection method: clinical testing. Allele origin: germline.
Comment: The p.P1680S variant (also known as c.5038C>T), located in coding exon 33 of the ATM gene, results from a C to T substitution at nucleotide position 5038. The proline at codon 1680 is replaced by serine, an amino acid with similar properties. This amino acid position is conserved. In addition, the in silico prediction for this alteration is inconclusive. Based on the available evidence, the clinical significance of this alteration remains unclear.

NM_000051.4(ATM):c.5038C>T (p.Pro1680Ser)

Gene: ATM (ATM serine/threonine kinase; plus strand). Cytogenetic location: 11q22.3.
Variant type: single nucleotide variant.
Coding change: c.5038C>T on transcript NM_000051.4 (MANE Select); coding-DNA position 5038, C replaced by T.
Protein change: p.Pro1680Ser; replaces proline 1680 with serine.
Molecular consequence: missense variant.
Genome position (GRCh38, 1-based): chr11:108,299,746, C>T. VCF-style: chr11-108299746-C-T. GRCh37 (hg19) VCF-style: chr11-108170473-C-T.
Other names: c.5038C>T, p.Pro1680Ser (NM_001351834.2); short protein forms P1680S.
Identifiers: ClinVar variation 3221687 (VCV003221687.1), dbSNP rs1565473572, ClinGen allele CA382540336.